The following is an entry in ClinVar:

NM_181882.3(PRX):c.4059GGA[12] (p.Glu1361_Gly1362insGluGluGluGluGlu)

Gene: PRX (periaxin; minus strand). Cytogenetic location: 19q13.2.
Variant type: Microsatellite.
Coding change: c.4059GGA[12] on transcript NM_181882.3 (MANE Select); 12 copies in a row of the 3-base unit GGA starting at c.4059; the reference has seven copies in a row; five copies, 15 bases duplicated.
Protein change: p.Glu1361_Gly1362insGluGluGluGluGlu.
Molecular consequence: inframe insertion. On other transcripts: 3 prime UTR variant (1), inframe indel (2).
Genome position (GRCh38, 1-based): chr19:40,394,273-40,394,287, TCCTCCTCCTCCTCC duplicated on the plus strand (GGAGGAGGAGGAGGA on the coding strand, the reverse complement: PRX is on the minus strand); duplicating any 15 consecutive bases within chr19:40,394,273-40,394,295 gives the same sequence; the position shown is the placement nearest the transcript's 3' end. VCF-style (leftmost placement, unchanged base first): chr19-40394272-T-TTCCTCCTCCTCCTCC. GRCh37 (hg19) VCF-style: chr19-40900179-T-TTCCTCCTCCTCCTCC.
Other names: c.4344GGA[12], p.Glu1456_Gly1457insGluGluGluGluGlu (NM_001411127.1); c.*4264GGA[12] (NM_020956.2); c.4057_4059GAG[12], p.Glu1361_Gly1362insGluGluGluGluGlu (NM_181882.2); c.4065_4079dup15 (NM_181882.2).
Identifiers: ClinVar variation 4980476 (VCV004980476.1).
Genomic context (GRCh38, chr19:40,394,272, plus strand): 5'-ACGTGGCAAGCGGACCCGGACCCGGCCCCGGCGACCCGAGGCCCCTTCCCCACTGCCCTC[T>TTCCTCCTCCTCCTCC]TCCTCCTCCTCCTCCTCCTCCTCGGGGCTGGGGGACCCTTCCCCAGTGACCATCTCACTT-3'

ClinVar aggregate classification (germline): Uncertain significance (1 of 4 stars; one submission).

Conditions:
PRX-related disorder. Also called: PRX-Related Disorders; PRX-related condition.

Submission:

PreventionGenetics, part of Exact Sciences
Classification: Uncertain significance for PRX-related condition. Last evaluated: 2025-10-01. Review status: criteria provided, single submitter. Criteria: ACMG Guidelines, 2015. Collection method: clinical testing. Allele origin: germline.
Comment: The PRX c.4065_4079dup15 variant is predicted to result in an in-frame duplication (p.Glu1357_Glu1361dup). To our knowledge, this variant has not been reported in the literature. This variant is reported in 0.010% of alleles in individuals of East Asian descent in gnomAD. At this time, the clinical significance of this variant is uncertain due to the absence of conclusive functional and genetic evidence.